The following is an entry in ClinVar:

ClinVar aggregate classification (germline): Uncertain significance (1 of 4 stars; one submission).

Allele frequency attached by ClinVar (database versions not stated): ExAC 0.00001; ESP Exome Variant Server 0.00008.

Submission:

Labcorp Genetics (formerly Invitae), Labcorp
Classification: Uncertain significance. Last evaluated: 2025-11-10. Review status: criteria provided, single submitter. Criteria: Invitae Variant Classification Sherloc (09022015). Collection method: clinical testing. Allele origin: germline.
Comment: This sequence change replaces leucine, which is neutral and non-polar, with valine, which is neutral and non-polar, at codon 42 of the RPL27 protein (p.Leu42Val). This variant is present in population databases (rs368450548, gnomAD 0.007%). This variant has not been reported in the literature in individuals affected with RPL27-related conditions. ClinVar contains an entry for this variant (Variation ID: 2779252). An algorithm developed to predict the effect of missense changes on protein structure and function (PolyPhen-2) suggests that this variant is likely to be tolerated. In summary, the available evidence is currently insufficient to determine the role of this variant in disease. Therefore, it has been classified as a Variant of Uncertain Significance.

NM_000988.5(RPL27):c.124C>G (p.Leu42Val)

Gene: RPL27 (ribosomal protein L27; plus strand). Cytogenetic location: 17q21.31.
Variant type: single nucleotide variant.
Coding change: c.124C>G on transcript NM_000988.5 (MANE Select); coding-DNA position 124, C replaced by G.
Protein change: p.Leu42Val; replaces leucine 42 with valine.
Molecular consequence: missense variant.
Genome position (GRCh38, 1-based): chr17:42,999,975, C>G. VCF-style: chr17-42999975-C-G. GRCh37 (hg19) VCF-style: chr17-41151992-C-G.
Other names: c.124C>G, p.Leu42Val (NM_001349921.2, NM_001349922.2); short protein forms L42V.
Identifiers: ClinVar variation 2779252 (VCV002779252.3), dbSNP rs368450548, ClinGen allele CA8588938.